The following is an entry in ClinVar:

NM_020911.2(PLXNA4):c.1371+4444T>A

Gene: PLXNA4 (plexin A4; minus strand). Cytogenetic location: 7q32.3.
Variant type: single nucleotide variant.
Coding change: c.1371+4444T>A on transcript NM_020911.2 (MANE Select); 4444 bases into the intron after coding-DNA position 1371, T replaced by A.
Molecular consequence: intron variant. On other transcripts: missense variant (1).
Genome position (GRCh38, 1-based): chr7:132,484,848, A>T on the plus strand (T>A on the coding strand, the complement: PLXNA4 is on the minus strand). VCF-style: chr7-132484848-A-T. GRCh37 (hg19) VCF-style: chr7-132169607-A-T.
Other names: c.1537T>A, p.Cys513Ser (NM_181775.4); c.1371+4444T>A (NM_001393897.1, NM_001105543.2); short protein forms C513S.
Identifiers: ClinVar variation 4997519 (VCV004997519.1).
Genomic context (GRCh38, chr7:132,484,848, plus strand): 5'-AAAGTGGATTCAAATTTCCAGAGTAATTTTAGGAAGAATTCCCAGGTACATTTAGGAAGC[A>T]ACAAAGCAGAGGCTGGACTCTCTGATCTGATATTGCTTTGTGACTTGAGCACTGAAGATA-3'

ClinVar aggregate classification (germline): Uncertain significance (1 of 4 stars; one submission).

Conditions:
PLXNA4-related disorder. Also called: PLXNA4-related condition.

Submission:

PreventionGenetics, part of Exact Sciences
Classification: Uncertain significance for PLXNA4-related condition. Last evaluated: 2025-05-08. Review status: criteria provided, single submitter. Criteria: ACMG Guidelines, 2015. Collection method: clinical testing. Allele origin: germline.
Comment: The PLXNA4 c.1537T>A variant is predicted to result in the amino acid substitution p.Cys513Ser. To our knowledge, this variant has not been reported in the literature or in a large population database (gnomAD), indicating this variant is rare. At this time, the clinical significance of this variant is uncertain due to the absence of conclusive functional and genetic evidence.